The following is an entry in ClinVar:

NM_032043.3(BRIP1):c.1633G>T (p.Ala545Ser)

Gene: BRIP1 (BRCA1 interacting DNA helicase 1; minus strand). Cytogenetic location: 17q23.2.
Variant type: single nucleotide variant.
Coding change: c.1633G>T on transcript NM_032043.3 (MANE Select); coding-DNA position 1633, G replaced by T.
Protein change: p.Ala545Ser; replaces alanine 545 with serine.
Molecular consequence: missense variant.
Genome position (GRCh38, 1-based): chr17:61,781,001, C>A on the plus strand (G>T on the coding strand, the complement: BRIP1 is on the minus strand). VCF-style: chr17-61781001-C-A. GRCh37 (hg19) VCF-style: chr17-59858362-C-A.
Other names: short protein forms A545S.
Identifiers: ClinVar variation 1776884 (VCV001776884.2), dbSNP rs2145097933, ClinGen allele CA400480584.

ClinVar aggregate classification (germline): Uncertain significance (1 of 4 stars; one submission).

Conditions:
Hereditary cancer-predisposing syndrome. Also called: Neoplastic Syndromes, Hereditary; Tumor predisposition; Hereditary Cancer Syndrome; Hereditary neoplastic syndrome. Identifiers: Orphanet 140162, MedGen C0027672, MeSH D009386, MONDO:0015356.

Submission:

Ambry Genetics
Classification: Uncertain significance for Hereditary cancer-predisposing syndrome. Last evaluated: 2019-06-05. Review status: criteria provided, single submitter. Criteria: Ambry Variant Classification Scheme 2023. Collection method: clinical testing. Allele origin: germline.
Comment: The p.A545S variant (also known as c.1633G>T), located in coding exon 11 of the BRIP1 gene, results from a G to T substitution at nucleotide position 1633. The alanine at codon 545 is replaced by serine, an amino acid with similar properties. This amino acid position is highly conserved in available vertebrate species. In addition, the in silico prediction for this alteration is inconclusive. Since supporting evidence is limited at this time, the clinical significance of this alteration remains unclear.